The following is an entry in ClinVar:

NM_001186.4(BACH1):c.940T>C (p.Ser314Pro)

Gene: BACH1 (BTB domain and CNC homolog 1; plus strand). Cytogenetic location: 21q21.3.
Variant type: single nucleotide variant.
Coding change: c.940T>C on transcript NM_001186.4 (MANE Select); coding-DNA position 940, T replaced by C.
Protein change: p.Ser314Pro; replaces serine 314 with proline.
Molecular consequence: missense variant. On other transcripts: non-coding transcript variant (1).
Genome position (GRCh38, 1-based): chr21:29,326,764, T>C. VCF-style: chr21-29326764-T-C. GRCh37 (hg19) VCF-style: chr21-30699085-T-C.
Other names: c.940T>C, p.Ser314Pro (NM_206866.3); short protein forms S314P.
Identifiers: ClinVar variation 3055804 (VCV003055804.2), dbSNP rs35474725, ClinGen allele CA9992973.

ClinVar aggregate classification (germline): Benign (0 of 4 stars; one submission).

Conditions:
BACH1-related disorder. Also called: BACH1-related condition.

Allele frequency attached by ClinVar (database versions not stated): gnomAD exomes 0.00206; ExAC 0.00718; gnomAD 0.02294; ESP Exome Variant Server 0.02599; TOPMed 0.02627; 1000 Genomes Project 0.02776; 1000 Genomes Project 30x 0.02998.
gnomAD v4.1: 6,666 of 1,614,012 alleles (0.41%); highest among the groups gnomAD compares: African/African-American, 7.8%; 238 homozygotes.

Submission:

PreventionGenetics, part of Exact Sciences
Classification: Benign for BACH1-related condition. Last evaluated: 2019-06-18. Review status: no assertion criteria provided. Collection method: clinical testing. Allele origin: germline.
Comment: This variant is classified as benign based on ACMG/AMP sequence variant interpretation guidelines (Richards et al. 2015 PMID: 25741868, with internal and published modifications).